The following is an entry in ClinVar:

NM_032043.3(BRIP1):c.*3488A>T

Gene: BRIP1 (BRCA1 interacting DNA helicase 1; minus strand). Cytogenetic location: 17q23.2.
Variant type: single nucleotide variant.
Coding change: c.*3488A>T on transcript NM_032043.3 (MANE Select); 3488 bases downstream of the stop codon, A replaced by T.
Molecular consequence: 3 prime UTR variant.
Genome position (GRCh38, 1-based): chr17:61,679,808, T>A on the plus strand (A>T on the coding strand, the complement: BRIP1 is on the minus strand). VCF-style: chr17-61679808-T-A. GRCh37 (hg19) VCF-style: chr17-59757169-T-A.
Identifiers: ClinVar variation 324294 (VCV000324294.5), dbSNP rs11079454, ClinGen allele CA10649726.
Genomic context (GRCh38, chr17:61,679,808, plus strand): 5'-TTTTAAAAGCATTTAGATGTTTTAACTTATTTAAATCTGTAAACATTTCTTTTAAAAGTA[T>A]GTTATCAGTAATGAAAATGGCCTACATCCTACTCTATAAAGGCCAGTAGTTTACTTCTTG-3'

ClinVar aggregate classification (germline): Benign (1 of 4 stars; one submission).

Conditions:
Fanconi anemia complementation group J. Also called: BRIP1-Related Fanconi Anemia. Identifiers: Orphanet 84, MedGen C1836860, MONDO:0012187, OMIM 609054.

Allele frequency attached by ClinVar (database versions not stated): gnomAD 0.33474; 1000 Genomes Project 0.34225; TOPMed 0.34314; 1000 Genomes Project 30x 0.34322.
gnomAD v4.1: 51,336 of 152,056 alleles (34%); highest among the groups gnomAD compares: East Asian, 49%; 8,865 homozygotes.

Submission:

Illumina Laboratory Services, Illumina
Classification: Benign for Fanconi anemia complementation group J. Last evaluated: 2018-01-12. Review status: criteria provided, single submitter. Criteria: ICSL Variant Classification Criteria 13 December 2019. Collection method: clinical testing. Allele origin: germline.
Comment: This variant was observed in the ICSL laboratory as part of a predisposition screen in an ostensibly healthy population. It had not been previously curated by ICSL or reported in the Human Gene Mutation Database (HGMD: prior to June 1st, 2018), and was therefore a candidate for classification through an automated scoring system. Utilizing variant allele frequency, disease prevalence and penetrance estimates, and inheritance mode, an automated score was calculated to assess if this variant is too frequent to cause the disease. Based on the score and internal cut-off values, a variant classified as benign is not then subjected to further curation. The score for this variant resulted in a classification of benign for this disease.